The following is an entry in ClinVar:

NM_000535.7(PMS2):c.1760G>C (p.Ser587Thr)

Gene: PMS2 (PMS1 homolog 2, mismatch repair system component; minus strand). Cytogenetic location: 7p22.1.
Variant type: single nucleotide variant.
Coding change: c.1760G>C on transcript NM_000535.7 (MANE Select); coding-DNA position 1760, G replaced by C.
Protein change: p.Ser587Thr; replaces serine 587 with threonine.
Molecular consequence: missense variant. On other transcripts: non-coding transcript variant (1).
Genome position (GRCh38, 1-based): chr7:5,987,005, C>G on the plus strand (G>C on the coding strand, the complement: PMS2 is on the minus strand). VCF-style: chr7-5987005-C-G. GRCh37 (hg19) VCF-style: chr7-6026636-C-G.
Other names: c.1355G>C, p.Ser452Thr (NM_001018040.1, NM_001322003.2, NM_001322004.2 and 17 more transcripts); c.1604G>C, p.Ser535Thr (NM_001322006.2, NM_001406870.1); c.1442G>C, p.Ser481Thr (NM_001322007.2, NM_001322008.2, NM_001406876.1 and 2 more transcripts); c.1199G>C, p.Ser400Thr (NM_001322010.2, NM_001406906.1, NM_001406907.1); c.827G>C, p.Ser276Thr (NM_001322011.2, NM_001322012.2); c.1187G>C, p.Ser396Thr (NM_001322013.2, NM_001406909.1); c.1760G>C, p.Ser587Thr (NM_001322014.2, NM_001406871.1, NM_001406872.1); c.1451G>C, p.Ser484Thr (NM_001322015.2, NM_001406875.1, NM_001406877.1 and 5 more transcripts); and 12 more; short protein forms S276T, S330T, S396T, S400T, S416T, S429T, S432T, S452T.
Identifiers: ClinVar variation 2443218 (VCV002443218.2), dbSNP rs762100304, ClinGen allele CA366739994.
Genomic context (GRCh38, chr7:5,987,005, plus strand): 5'-ACATCAACCTGAGAGGCTGACATGTCCTGAGTATTTACTAACTTTTGACAAATGTCAGAA[C>G]TGGAAAGAATTTCTTCTTTTTTAAAACGCTTTGTGTTTGGGGTTGCGAGATTAGTTGGCT-3'
Protein context (NP_000526.2, residues 577-597): KRFKKEEILS[Ser587Thr]SDICQKLVNT

ClinVar aggregate classification (germline): Uncertain significance (0 of 4 stars; one submission).

Submission:

Genetic Services Laboratory, University of Chicago
Classification: Uncertain significance. Last evaluated: 2022-07-15. Review status: no assertion criteria provided. Collection method: clinical testing. Allele origin: germline. Affected: no.
Comment: DNA sequence analysis of the PMS2 gene demonstrated a sequence change, c.1760G>C, in exon 11 that results in an amino acid change, p.Ser587Thr. This sequence change does not appear to have been previously described in individuals with PMS2-related disorders and has also not been described in population databases such as ExAC and gnomAD. The p.Ser587Thr change affects a poorly conserved amino acid residue located in a domain of the PMS2 protein that is not known to be functional. The p.Ser587Thr substitution appears to be benign using several in-silico pathogenicity prediction tools (SIFT, PolyPhen2, Align GVGD, REVEL). Due to insufficient evidences and the lack of functional studies, the clinical significance of the p.Ser587Thr change remains unknown at this time.